The following is an entry in ClinVar:

NM_014989.7(RIMS1):c.722G>A (p.Arg241Lys)

Gene: RIMS1 (regulating synaptic membrane exocytosis 1; plus strand). Cytogenetic location: 6q13.
Variant type: single nucleotide variant.
Coding change: c.722G>A on transcript NM_014989.7 (MANE Select); coding-DNA position 722, G replaced by A.
Protein change: p.Arg241Lys; replaces arginine 241 with lysine.
Molecular consequence: missense variant.
Genome position (GRCh38, 1-based): chr6:72,179,825, G>A. VCF-style: chr6-72179825-G-A. GRCh37 (hg19) VCF-style: chr6-72889528-G-A.
Other names: short protein forms R241K.
Identifiers: ClinVar variation 2058479 (VCV002058479.4), dbSNP rs1436445738, ClinGen allele CA364818749.
Genomic context (GRCh38, chr6:72,179,825, plus strand): 5'-CCCTAAGCACAGCAGCTGCCTCCTCCCAGGATGCTGCTCCTCCCAGCGCACCACCAGACA[G>A]GAGCAAAGGGGCTGAGCCCTCGCAGCAAGCCTTGGGGCCTGAACAGAAGCAGGCTTCATC-3'
Protein context (NP_055804.2, residues 231-251): DAAPPSAPPD[Arg241Lys]SKGAEPSQQA

ClinVar aggregate classification (germline): Uncertain significance (1 of 4 stars; one submission).

Allele frequency attached by ClinVar (database versions not stated): gnomAD exomes below 0.00001; TOPMed below 0.00001; gnomAD 0.00001.

Submission:

Labcorp Genetics (formerly Invitae), Labcorp
Classification: Uncertain significance. Last evaluated: 2021-12-24. Review status: criteria provided, single submitter. Criteria: Invitae Variant Classification Sherloc (09022015). Collection method: clinical testing. Allele origin: germline.
Comment: This sequence change replaces arginine, which is basic and polar, with lysine, which is basic and polar, at codon 241 of the RIMS1 protein (p.Arg241Lys). This variant is not present in population databases (gnomAD no frequency). This variant has not been reported in the literature in individuals affected with RIMS1-related conditions. Algorithms developed to predict the effect of missense changes on protein structure and function are either unavailable or do not agree on the potential impact of this missense change (SIFT: "Deleterious"; PolyPhen-2: "Benign"; Align-GVGD: "Class C25"). In summary, the available evidence is currently insufficient to determine the role of this variant in disease. Therefore, it has been classified as a Variant of Uncertain Significance.